The following is an entry in ClinVar:

ClinVar aggregate classification (germline): Uncertain significance (1 of 4 stars; one submission).

Submission:

CeGaT Center for Human Genetics Tuebingen
Classification: Uncertain significance. Last evaluated: 2022-10-01. Review status: criteria provided, single submitter. Criteria: CeGaT Center For Human Genetics Tuebingen Variant Classification Criteria Version 2. Collection method: clinical testing. Allele origin: germline. Affected: yes. Observed: 1 variant allele.
Comment: SMPD1: PM2, PVS1:Moderate

NM_000543.5(SMPD1):c.1856del (p.Pro619fs)

Gene: SMPD1 (sphingomyelin phosphodiesterase 1; plus strand). Cytogenetic location: 11p15.4.
Variant type: Deletion.
Coding change: c.1856del on transcript NM_000543.5 (MANE Select); coding-DNA position 1856, one base deleted (C; older notation c.1856delC).
Protein change: p.Pro619fs; shifts the reading frame from proline 619.
Molecular consequence: frameshift variant. On other transcripts: 3 prime UTR variant (1), non-coding transcript variant (2).
Genome position (GRCh38, 1-based): chr11:6,394,567, C deleted; the last of 3 consecutive C bases (chr11:6,394,565-6,394,567); deleting any one gives the same sequence. VCF-style (leftmost placement, unchanged base first): chr11-6394564-TC-T. GRCh37 (hg19) VCF-style: chr11-6415794-TC-T.
Other names: c.1853del, p.Pro618fs (NM_001007593.3); c.*349del (NM_001318087.2); c.935del, p.Pro312fs (NM_001318088.2); c.1724del, p.Pro575fs (NM_001365135.2); short protein forms P312fs, P575fs, P618fs, P619fs.
Identifiers: ClinVar variation 1879198 (VCV001879198.29), dbSNP rs2493824462, ClinGen allele CA2580083988.